The following is an entry in ClinVar:

NM_002615.7(SERPINF1):c.715G>A (p.Val239Met)

Gene: SERPINF1 (serpin family F member 1; plus strand). Cytogenetic location: 17p13.3.
Variant type: single nucleotide variant.
Coding change: c.715G>A on transcript NM_002615.7 (MANE Select); coding-DNA position 715, G replaced by A.
Protein change: p.Val239Met; replaces valine 239 with methionine.
Molecular consequence: missense variant.
Genome position (GRCh38, 1-based): chr17:1,775,129, G>A. VCF-style: chr17-1775129-G-A. GRCh37 (hg19) VCF-style: chr17-1678423-G-A.
Other names: c.715G>A, p.Val239Met (NM_001329903.2); c.154G>A, p.Val52Met (NM_001329904.2, NM_001329905.2); short protein forms V239M, V52M.
Identifiers: ClinVar variation 889435 (VCV000889435.9), dbSNP rs376520683, ClinGen allele CA8274807.

ClinVar aggregate classification (germline): Uncertain significance. Review status: criteria provided, multiple submitters, no conflicts (2 of 4 stars). 3 submissions from 3 submitters: Uncertain significance (3). Last evaluated 2024-03-28.

Conditions:
Inborn genetic diseases. Identifiers: MedGen C0950123, MeSH D030342.
Osteogenesis imperfecta type 6. Also called: Osteogenesis imperfecta, type VI. Identifiers: Orphanet 666, MedGen C3279564, MONDO:0013515, OMIM 613982.

Allele frequency attached by ClinVar (database versions not stated): TOPMed 0.00005; ExAC 0.00008; ESP Exome Variant Server 0.00008.
gnomAD v4.1: 112 of 1,613,848 alleles (0.0069%); highest among the groups gnomAD compares: East Asian, 0.016%; no homozygotes.

Submissions (3):

Ambry Genetics
Classification: Uncertain significance for Inborn genetic diseases. Last evaluated: 2024-03-28. Review status: criteria provided, single submitter. Criteria: Ambry Variant Classification Scheme 2023. Collection method: clinical testing. Allele origin: germline.

Labcorp Genetics (formerly Invitae), Labcorp
Classification: Uncertain significance. Last evaluated: 2021-11-08. Review status: criteria provided, single submitter. Criteria: Invitae Variant Classification Sherloc (09022015). Collection method: clinical testing. Allele origin: germline.
Comment: This sequence change replaces valine, which is neutral and non-polar, with methionine, which is neutral and non-polar, at codon 239 of the SERPINF1 protein (p.Val239Met). This variant is present in population databases (rs376520683, gnomAD 0.05%). Algorithms developed to predict the effect of missense changes on protein structure and function are either unavailable or do not agree on the potential impact of this missense change (SIFT: "Not Available"; PolyPhen-2: "Probably Damaging"; Align-GVGD: "Not Available"). In summary, the available evidence is currently insufficient to determine the role of this variant in disease. Therefore, it has been classified as a Variant of Uncertain Significance. ClinVar contains an entry for this variant (Variation ID: 889435). This variant has not been reported in the literature in individuals affected with SERPINF1-related conditions.

Illumina Laboratory Services, Illumina
Classification: Uncertain significance for Osteogenesis imperfecta type 6. Last evaluated: 2018-01-12. Review status: criteria provided, single submitter. Criteria: ICSL Variant Classification Criteria 13 December 2019. Collection method: clinical testing. Allele origin: germline.